The following is an entry in ClinVar:

ClinVar aggregate classification (germline): Uncertain significance. Review status: criteria provided, multiple submitters, no conflicts (2 of 4 stars). 2 submissions from 2 submitters: Uncertain significance (2). Last evaluated 2025-01-08.

Conditions:
Inborn genetic diseases. Identifiers: MedGen C0950123, MeSH D030342.
Sulfite oxidase deficiency due to molybdenum cofactor deficiency type A. Also called: Molybdenum cofactor deficiency, complementation group A; Molybdenum Cofactor Deficiency A. Identifiers: Orphanet 308386, Orphanet 833, MedGen C1854988, MONDO:0009643, OMIM 252150.

Allele frequency attached by ClinVar (database versions not stated): gnomAD 0.00005; TOPMed 0.00005; ExAC 0.00002; gnomAD exomes 0.00003; ESP Exome Variant Server 0.00008.

Submissions (2):

Ambry Genetics
Classification: Uncertain significance for Inborn genetic diseases. Last evaluated: 2025-01-08. Review status: criteria provided, single submitter. Criteria: Ambry Variant Classification Scheme 2023. Collection method: clinical testing. Allele origin: germline.

Labcorp Genetics (formerly Invitae), Labcorp
Classification: Uncertain significance for Sulfite oxidase deficiency due to molybdenum cofactor deficiency type A. Last evaluated: 2021-08-27. Review status: criteria provided, single submitter. Criteria: Invitae Variant Classification Sherloc (09022015). Collection method: clinical testing. Allele origin: germline.
Comment: This sequence change replaces methionine with lysine at codon 249 of the MOCS1 protein (p.Met249Lys). The methionine residue is highly conserved and there is a moderate physicochemical difference between methionine and lysine. This variant is present in population databases (rs147564001, ExAC 0.02%). This variant has not been reported in the literature in individuals affected with MOCS1-related conditions. Algorithms developed to predict the effect of missense changes on protein structure and function (SIFT, PolyPhen-2, Align-GVGD) all suggest that this variant is likely to be disruptive. In summary, the available evidence is currently insufficient to determine the role of this variant in disease. Therefore, it has been classified as a Variant of Uncertain Significance.

NM_001358530.2(MOCS1):c.746T>A (p.Met249Lys)

Gene: MOCS1 (molybdenum cofactor synthesis 1; minus strand). Cytogenetic location: 6p21.2.
Variant type: single nucleotide variant.
Coding change: c.746T>A on transcript NM_001358530.2 (MANE Select); coding-DNA position 746, T replaced by A.
Protein change: p.Met249Lys; replaces methionine 249 with lysine.
Molecular consequence: missense variant. On other transcripts: non-coding transcript variant (1).
Genome position (GRCh38, 1-based): chr6:39,913,328, A>T on the plus strand (T>A on the coding strand, the complement: MOCS1 is on the minus strand). VCF-style: chr6-39913328-A-T. GRCh37 (hg19) VCF-style: chr6-39881072-A-T.
Other names: c.746T>A, p.Met249Lys (NM_001075098.4, NM_001358529.2, NM_005943.6); c.485T>A, p.Met162Lys (NM_001358531.2, NM_001358533.2, NM_001358534.2); c.746T>A (NM_005943.5); short protein forms M162K, M249K.
Identifiers: ClinVar variation 1058606 (VCV001058606.7), dbSNP rs147564001, ClinGen allele CA3796166.